The following is an entry in ClinVar:

ClinVar aggregate classification (germline): Pathogenic/Likely pathogenic. Review status: criteria provided, multiple submitters, no conflicts (2 of 4 stars). 2 submissions from 2 submitters: Pathogenic (1); Likely pathogenic (1). Last evaluated 2024-08-21.

Conditions:
C6-related disorders.

Submissions (2):

Blueprint Genetics
Classification: Likely pathogenic for C6-related disorders. Last evaluated: 2024-08-21. Review status: criteria provided, single submitter. Criteria: ACMG Guidelines, 2015. Collection method: clinical testing. Allele origin: germline. Affected: yes. Observed: 4 variant alleles.

Labcorp Genetics (formerly Invitae), Labcorp
Classification: Pathogenic. Last evaluated: 2022-03-01. Review status: criteria provided, single submitter. Criteria: Invitae Variant Classification Sherloc (09022015). Collection method: clinical testing. Allele origin: germline.
Comment: For these reasons, this variant has been classified as Pathogenic. This variant has not been reported in the literature in individuals affected with C6-related conditions. This variant is present in population databases (rs762335076, gnomAD 0.02%). This sequence change creates a premature translational stop signal (p.Ser277Glufs*15) in the C6 gene. It is expected to result in an absent or disrupted protein product. Loss-of-function variants in C6 are known to be pathogenic (PMID: 17257682).

Literature cited by the submitters: PubMed 17257682 (cited by Labcorp Genetics (formerly Invitae), Labcorp).

NM_000065.5(C6):c.828dup (p.Ser277fs)

Gene: C6 (complement C6; minus strand). Cytogenetic location: 5p13.1.
Variant type: Duplication.
Coding change: c.828dup on transcript NM_000065.5 (MANE Select); coding-DNA position 828, one base duplicated (G; older notation c.828dupG).
Protein change: p.Ser277fs; shifts the reading frame from serine 277.
Molecular consequence: frameshift variant.
Genome position (GRCh38, 1-based): chr5:41,181,458, C duplicated on the plus strand (G on the coding strand, the reverse complement: C6 is on the minus strand); the first of 7 consecutive C bases (chr5:41,181,458-41,181,464); duplicating any one gives the same sequence. VCF-style (leftmost placement, unchanged base first): chr5-41181457-T-TC. GRCh37 (hg19) VCF-style: chr5-41181559-T-TC.
Other names: c.828dup, p.Ser277fs (NM_001115131.4); short protein forms S277fs.
Identifiers: ClinVar variation 1369402 (VCV001369402.7), dbSNP rs372345940, ClinGen allele CA3252641.